The following is an entry in ClinVar:

NM_000368.5(TSC1):c.2159del (p.Leu720fs)

Gene: TSC1 (TSC complex subunit 1; minus strand). Cytogenetic location: 9q34.13.
Variant type: Deletion.
Coding change: c.2159del on transcript NM_000368.5 (MANE Select); coding-DNA position 2159, one base deleted (T; older notation c.2159delT).
Protein change: p.Leu720fs; shifts the reading frame from leucine 720.
Molecular consequence: frameshift variant.
Genome position (GRCh38, 1-based): chr9:132,903,700, A deleted on the plus strand (T on the coding strand, the reverse complement: TSC1 is on the minus strand). VCF-style (leftmost placement, unchanged base first): chr9-132903699-GA-G. GRCh37 (hg19) VCF-style: chr9-135779086-GA-G.
Other names: c.2156del, p.Leu719fs (NM_001162426.2); c.2006del, p.Leu669fs (NM_001162427.2); c.1796del, p.Leu599fs (NM_001362177.2); short protein forms L669fs, L720fs, L599fs, L719fs.
Identifiers: ClinVar variation 965522 (VCV000965522.1), dbSNP rs1845497321, ClinGen allele CA1139661270.

ClinVar aggregate classification (germline): Pathogenic (1 of 4 stars; one submission).

Conditions:
Tuberous sclerosis 1 (TSC1). Identifiers: Orphanet 805, MedGen C1854465, MONDO:0008612, OMIM 191100.

Submission:

Labcorp Genetics (formerly Invitae), Labcorp
Classification: Pathogenic for Tuberous sclerosis 1. Last evaluated: 2019-11-20. Review status: criteria provided, single submitter. Criteria: Invitae Variant Classification Sherloc (09022015). Collection method: clinical testing. Allele origin: germline.
Comment: This sequence change creates a premature translational stop signal (p.Leu720Profs*4) in the TSC1 gene. It is expected to result in an absent or disrupted protein product. This variant is not present in population databases (ExAC no frequency). This variant has not been reported in the literature in individuals with TSC1-related conditions. Loss-of-function variants in TSC1 are known to be pathogenic (PMID: 10227394, 17304050). For these reasons, this variant has been classified as Pathogenic.